The following is an entry in ClinVar:

NM_000256.3(MYBPC3):c.1210del (p.Gln404fs)

Gene: MYBPC3 (myosin binding protein C3; minus strand). Cytogenetic location: 11p11.2.
Variant type: Deletion.
Coding change: c.1210del on transcript NM_000256.3 (MANE Select); coding-DNA position 1210, one base deleted (C; older notation c.1210delC).
Protein change: p.Gln404fs; shifts the reading frame from glutamine 404.
Molecular consequence: frameshift variant.
Genome position (GRCh38, 1-based): chr11:47,343,505, G deleted on the plus strand (C on the coding strand, the reverse complement: MYBPC3 is on the minus strand); the first of 2 consecutive G bases (chr11:47,343,505-47,343,506); deleting either gives the same sequence. VCF-style (leftmost placement, unchanged base first): chr11-47343504-TG-T. GRCh37 (hg19) VCF-style: chr11-47365055-TG-T.
Other names: short protein forms Q404fs.
Identifiers: ClinVar variation 3721026 (VCV003721026.2).

ClinVar aggregate classification (germline): Pathogenic (1 of 4 stars; one submission).

Conditions:
Hypertrophic cardiomyopathy. Also called: HYPERTROPHIC MYOCARDIOPATHY. Identifiers: Orphanet 217569, MedGen C0007194, MeSH D002312, MONDO:0005045, HP:0001639.

Submission:

Labcorp Genetics (formerly Invitae), Labcorp
Classification: Pathogenic for Hypertrophic cardiomyopathy. Last evaluated: 2024-05-02. Review status: criteria provided, single submitter. Criteria: Invitae Variant Classification Sherloc (09022015). Collection method: clinical testing. Allele origin: germline.
Comment: This sequence change creates a premature translational stop signal (p.Gln404Argfs*2) in the MYBPC3 gene. It is expected to result in an absent or disrupted protein product. Loss-of-function variants in MYBPC3 are known to be pathogenic (PMID: 19574547). This variant is not present in population databases (gnomAD no frequency). This premature translational stop signal has been observed in individual(s) with hypertrophic cardiomyopathy (PMID: 19150014, 22765922). For these reasons, this variant has been classified as Pathogenic.

Literature cited by the submitters: PubMed 19574547; PubMed 19150014; PubMed 22765922.